The following is an entry in ClinVar:

ClinVar aggregate classification (germline): Uncertain significance (1 of 4 stars; one submission).

Submission:

Labcorp Genetics (formerly Invitae), Labcorp
Classification: Uncertain significance. Last evaluated: 2025-07-01. Review status: criteria provided, single submitter. Criteria: Invitae Variant Classification Sherloc (09022015). Collection method: clinical testing. Allele origin: germline.
Comment: This variant, c.4307_4309del, results in the deletion of 1 amino acid(s) of the COL4A4 protein (p.Gly1436del), but otherwise preserves the integrity of the reading frame. This variant is not present in population databases (gnomAD no frequency). This variant has been observed in individual(s) with autosomal recessive Alport syndrome (PMID: 35028164). In summary, the available evidence is currently insufficient to determine the role of this variant in disease. Therefore, it has been classified as a Variant of Uncertain Significance.

Literature cited by the submitters: PubMed 35028164.

NM_000092.5(COL4A4):c.4307_4309del (p.Gly1436del)

Gene: COL4A4 (collagen type IV alpha 4 chain; minus strand). Cytogenetic location: 2q36.3.
Variant type: Deletion.
Coding change: c.4307_4309del on transcript NM_000092.5 (MANE Select); coding-DNA positions 4307 to 4309, 3 bases deleted (GAG; older notation c.4307_4309delGAG).
Protein change: p.Gly1436del; deletes glycine 1436.
Genome position (GRCh38, 1-based): chr2:227,012,205-227,012,207, CTC deleted on the plus strand (GAG on the coding strand, the reverse complement: COL4A4 is on the minus strand); deleting any 3 consecutive bases within chr2:227,012,205-227,012,209 gives the same sequence; the c. name uses the placement nearest the transcript's 3' end. VCF-style (leftmost placement, unchanged base first): chr2-227012204-TCTC-T. GRCh37 (hg19) VCF-style: chr2-227876920-TCTC-T.
Other names: short protein forms G1436del.
Identifiers: ClinVar variation 4799902 (VCV004799902.1).